The following is an entry in ClinVar:

NM_000038.6(APC):c.4733_4734del (p.Cys1578fs)

Gene: APC (APC regulator of Wnt signaling pathway; plus strand). Cytogenetic location: 5q22.2.
Variant type: Deletion.
Coding change: c.4733_4734del on transcript NM_000038.6 (MANE Select); coding-DNA positions 4733 to 4734, 2 bases deleted (GT; older notation c.4733_4734delGT).
Protein change: p.Cys1578fs; shifts the reading frame from cysteine 1578.
Molecular consequence: frameshift variant.
Genome position (GRCh38, 1-based): chr5:112,840,327-112,840,328, GT deleted; deleting any 2 consecutive bases within chr5:112,840,326-112,840,328 gives the same sequence; the c. name uses the placement nearest the transcript's 3' end. VCF-style (leftmost placement, unchanged base first): chr5-112840325-ATG-A. GRCh37 (hg19) VCF-style: chr5-112176022-ATG-A.
Other names: c.4733_4734del (NM_000038.5); c.4733_4734del, p.Cys1578fs (NM_001127510.3, NM_001354895.2); c.4679_4680del, p.Cys1560fs (NM_001127511.3); c.4787_4788del, p.Cys1596fs (NM_001354896.2); c.4763_4764del, p.Cys1588fs (NM_001354897.2); c.4658_4659del, p.Cys1553fs (NM_001354898.2); c.4649_4650del, p.Cys1550fs (NM_001354899.2); c.4610_4611del, p.Cys1537fs (NM_001354900.2); and 6 more; short protein forms C1295fs, C1418fs, C1477fs, C1553fs, C1578fs, C1537fs, C1560fs, C1596fs.
Identifiers: ClinVar variation 217988 (VCV000217988.22), dbSNP rs863225359, ClinGen allele CA279695.

ClinVar aggregate classification (germline): Pathogenic. Review status: criteria provided, multiple submitters, no conflicts (2 of 4 stars). 5 submissions from 5 submitters: Pathogenic (4). 1 of the submissions does not count toward it. Last evaluated 2023-05-11.

Conditions:
Hereditary cancer-predisposing syndrome. Also called: Hereditary Cancer Syndrome; Hereditary neoplastic syndrome; Neoplastic Syndromes, Hereditary; Tumor predisposition. Identifiers: Orphanet 140162, MedGen C0027672, MeSH D009386, MONDO:0015356.
Familial adenomatous polyposis 1 (FAP1). Also called: FAMILIAL ADENOMATOUS POLYPOSIS 1, ATTENUATED; POLYPOSIS, ADENOMATOUS INTESTINAL. Identifiers: MedGen C2713442, MONDO:0021056, OMIM 175100. Disease mechanism: loss of function.

Submissions (5):

Myriad Genetics, Inc.
Classification: Pathogenic for Familial adenomatous polyposis 1. Last evaluated: 2023-05-11. Review status: criteria provided, single submitter. Criteria: Myriad Autosomal Dominant, Autosomal Recessive and X-Linked Classification Criteria (2023). Collection method: clinical testing. Allele origin: unknown.
Comment: This variant is considered pathogenic. This variant creates a frameshift predicted to result in premature protein truncation.

Color Diagnostics, LLC DBA Color Health
Classification: Pathogenic for Hereditary cancer-predisposing syndrome. Last evaluated: 2020-01-15. Review status: criteria provided, single submitter. Criteria: ACMG Guidelines, 2015. Collection method: clinical testing. Allele origin: germline.
Comment: This variant deletes 2 nucleotides in exon 16 of the APC gene, creating a frameshift and premature translation stop signal. This variant is expected to result in an absent or non-functional protein product. This variant has not been identified in the general population by the Genome Aggregation Database (gnomAD). Loss of APC function is a known mechanism of disease. Based on the available evidence, this variant is classified as Pathogenic.

Labcorp Genetics (formerly Invitae), Labcorp
Classification: Pathogenic for Familial adenomatous polyposis 1. Last evaluated: 2019-07-05. Review status: criteria provided, single submitter. Criteria: Invitae Variant Classification Sherloc (09022015). Collection method: clinical testing. Allele origin: germline.
Comment: A different truncation (p.Tyr2645Lysfs*14) that lies downstream of this variant has been determined to be pathogenic (PMID: 9824584, 1316610, 27081525, 8381579, 22135120, Invitae). This suggests that deletion of this region of the APC protein is causative of disease. This variant has been reported in individuals affected with familial adenomatous polyposis (PMID: 9101302, 20685668, 19444466). This variant is also known as 4736delGT in the literature. ClinVar contains an entry for this variant (Variation ID: 217988). This variant is not present in population databases (ExAC no frequency). This sequence change results in a premature translational stop signal in the APC gene (p.Cys1578Tyrfs*12). While this is not anticipated to result in nonsense mediated decay, it is expected to disrupt the last 1266 amino acids of the APC protein. For these reasons, this variant has been classified as Pathogenic. This variant is expected to disrupt the EB1 and HDLG binding sites, which mediate interactions with the cytoskeleton (PMID: 15311282, 17293347). While functional studies have not been performed to directly test the effect on APC protein function, this suggests that disruption of the C-terminal portion of the protein is functionally important.

Ambry Genetics
Classification: Pathogenic for Hereditary cancer-predisposing syndrome. Last evaluated: 2014-08-05. Review status: criteria provided, single submitter. Criteria: Ambry Variant Classification Scheme 2023. Collection method: clinical testing. Allele origin: germline.
Comment: The c.4733_4734delGT pathogenic mutation, located in coding exon 15 of the APC gene, results from a deletion of two nucleotides between nucleotide positions 4733 and 4734, causing a translational frameshift with a predicted alternate stop codon. This mutation has been detected in polyposis families (Gismondi V, et al. Hum. Mutat. 1997 ; 9(4):370-3. Friedl W, et al. Hered Cancer Clin Pract 2005 ; 3(3):95-114). In addition to the clinical information presented in the literature, since frameshifts are typically deleterious in nature, this alteration is interpreted as a disease-causing mutation (ACMG Recommendations for Standards for Interpretation and Reporting of Sequence Variations. Revision 2007. Genet Med. 2008;10:294).

Mayo Clinic Laboratories, Mayo Clinic
Classification: Likely pathogenic. Review status: no assertion criteria provided. Collection method: research. Allele origin: unknown. Observed: 1 variant allele. Not counted in ClinVar's aggregate classification.

Literature cited by the submitters: PubMed 9824584 (cited by Labcorp Genetics (formerly Invitae), Labcorp); PubMed 1316610 (cited by Labcorp Genetics (formerly Invitae), Labcorp); PubMed 27081525 (cited by Labcorp Genetics (formerly Invitae), Labcorp); PubMed 8381579 (cited by Labcorp Genetics (formerly Invitae), Labcorp); PubMed 22135120 (cited by Labcorp Genetics (formerly Invitae), Labcorp); PubMed 9101302 (cited by Labcorp Genetics (formerly Invitae), Labcorp and Ambry Genetics); PubMed 20685668 (cited by Labcorp Genetics (formerly Invitae), Labcorp); PubMed 19444466 (cited by Labcorp Genetics (formerly Invitae), Labcorp); PubMed 15311282 (cited by Labcorp Genetics (formerly Invitae), Labcorp); PubMed 17293347 (cited by Labcorp Genetics (formerly Invitae), Labcorp); PubMed 20223039 (cited by Ambry Genetics).